The following is an entry in ClinVar:

ClinVar aggregate classification (germline): Benign/Likely benign. Review status: criteria provided, multiple submitters, no conflicts (2 of 4 stars). 5 submissions from 5 submitters: Benign (1); Likely benign (4). Last evaluated 2025-10-27.

Conditions:
Familial cancer of breast. Also called: hereditary breast carcinoma; BREAST CANCER, FAMILIAL; Hereditary breast cancer. Identifiers: Orphanet 227535, MedGen C0346153, MONDO:0016419, OMIM 114480. Disease mechanism: loss of function.
Hereditary cancer-predisposing syndrome. Also called: Tumor predisposition; Neoplastic Syndromes, Hereditary; Hereditary Cancer Syndrome; Hereditary neoplastic syndrome. Identifiers: Orphanet 140162, MedGen C0027672, MeSH D009386, MONDO:0015356.

Submissions (5):

Labcorp Genetics (formerly Invitae), Labcorp
Classification: Likely benign for Familial cancer of breast. Last evaluated: 2025-10-27. Review status: criteria provided, single submitter. Criteria: Invitae Variant Classification Sherloc (09022015). Collection method: clinical testing. Allele origin: germline.

Quest Diagnostics Nichols Institute San Juan Capistrano
Classification: Likely benign. Last evaluated: 2025-06-09. Review status: criteria provided, single submitter. Criteria: Quest Diagnostics criteria. Collection method: clinical testing. Allele origin: unknown.

Myriad Genetics, Inc.
Classification: Benign for Familial cancer of breast. Last evaluated: 2025-01-14. Review status: criteria provided, single submitter. Criteria: Myriad Autosomal Dominant, Autosomal Recessive and X-Linked Classification Criteria (2023). Collection method: clinical testing. Allele origin: unknown.
Comment: This variant is considered benign. This variant is a silent/synonymous amino acid change and it is not expected to impact splicing.

Ambry Genetics
Classification: Likely benign for Hereditary cancer-predisposing syndrome. Last evaluated: 2022-11-24. Review status: criteria provided, single submitter. Criteria: Ambry Variant Classification Scheme 2023. Collection method: clinical testing. Allele origin: germline.

Color Diagnostics, LLC DBA Color Health
Classification: Likely benign for Hereditary cancer-predisposing syndrome. Last evaluated: 2019-11-21. Review status: criteria provided, single submitter. Criteria: ACMG Guidelines, 2015. Collection method: clinical testing. Allele origin: germline.

NM_024675.4(PALB2):c.1566A>G (p.Pro522=)

Gene: PALB2 (partner and localizer of BRCA2; minus strand). Cytogenetic location: 16p12.2.
Variant type: single nucleotide variant.
Coding change: c.1566A>G on transcript NM_024675.4 (MANE Select); coding-DNA position 1566, A replaced by G.
Protein change: p.Pro522=; no amino-acid change (proline 522 retained).
Molecular consequence: synonymous variant.
Genome position (GRCh38, 1-based): chr16:23,634,980, T>C on the plus strand (A>G on the coding strand, the complement: PALB2 is on the minus strand). VCF-style: chr16-23634980-T-C. GRCh37 (hg19) VCF-style: chr16-23646301-T-C.
Identifiers: ClinVar variation 801237 (VCV000801237.17), dbSNP rs1597095620, ClinGen allele CA494461275.
Genomic context (GRCh38, chr16:23,634,980, plus strand): 5'-GGACCTGTTAACAATCGACAGGCTAGAAGTTGGCAAAAGTGGTTCACAATGATCTGATGC[T>C]GGGGTGCAGGCTGATTTTCTTTTTCCTGTGTATCTTCTACCAGGTGCTTGGGCAACTGCC-3'
Protein context (NP_078951.2, residues 512-532): YTGKRKSACT[Pro522=]ASDHCEPLLP